The following is an entry in ClinVar:

ClinVar aggregate classification (germline): Uncertain significance (1 of 4 stars; one submission).

Submission:

Labcorp Genetics (formerly Invitae), Labcorp
Classification: Uncertain significance. Last evaluated: 2022-04-01. Review status: criteria provided, single submitter. Criteria: Invitae Variant Classification Sherloc (09022015). Collection method: clinical testing. Allele origin: germline.
Comment: This variant is a gross deletion of the genomic region encompassing exon(s) 5 of the PDE6A gene. This variant would be expected to be in-frame, preserving the integrity of the reading frame. This variant has not been reported in the literature in individuals affected with PDE6A-related conditions. Experimental studies and prediction algorithms are not available or were not evaluated, and the functional significance of this variant is currently unknown. In summary, the available evidence is currently insufficient to determine the role of this variant in disease. Therefore, it has been classified as a Variant of Uncertain Significance.

NC_000005.9:g.(?_149301178)_(149301292_?)del

Gene: PDE6A (phosphodiesterase 6A; minus strand). Cytogenetic location: 5q32.
Variant type: Deletion.
Identifiers: ClinVar variation 2423089 (VCV002423089.3).